The following is an entry in ClinVar:

ClinVar aggregate classification (germline): Uncertain significance (1 of 4 stars; one submission).

Conditions:
Cardiovascular phenotype. Identifiers: MedGen CN230736.

Allele frequency attached by ClinVar (database versions not stated): gnomAD exomes 0.00001; TOPMed below 0.00001; ExAC 0.00001; gnomAD 0.00001.
gnomAD v4.1: 4 of 1,613,566 alleles (0.00025%); highest among the groups gnomAD compares: South Asian, 0.0011%; no homozygotes.

Submission:

Ambry Genetics
Classification: Uncertain significance for Cardiovascular phenotype. Last evaluated: 2026-01-21. Review status: criteria provided, single submitter. Criteria: Ambry Variant Classification Scheme 2023. Collection method: clinical testing. Allele origin: germline.
Comment: The c.82C>T (p.P28S) alteration is located in exon 3 (coding exon 2) of the APOA1 gene. This alteration results from a C to T substitution at nucleotide position 82, causing the proline (P) at amino acid position 28 to be replaced by a serine (S). Based on data from gnomAD, the T allele has an overall frequency of <0.001% (1/250976) total alleles studied. The highest observed frequency was 0.001% (1/113372) of European (non-Finnish) alleles. Based on insufficient or conflicting evidence, the clinical significance of this alteration remains unclear.

NM_000039.3(APOA1):c.82C>T (p.Pro28Ser)

Genes: APOA1 (apolipoprotein A1; minus strand), APOA1-AS (APOA1 antisense RNA; plus strand). Cytogenetic location: 11q23.3.
Variant type: single nucleotide variant.
Coding change: c.82C>T on transcript NM_000039.3 (MANE Select); coding-DNA position 82, C replaced by T.
Protein change: p.Pro28Ser; replaces proline 28 with serine.
Molecular consequence: missense variant. On other transcripts: 5 prime UTR variant (1), intron variant (2).
Genome position (GRCh38, 1-based): chr11:116,837,119, G>A on the plus strand (C>T on the coding strand, the complement: APOA1 is on the minus strand). VCF-style: chr11-116837119-G-A. GRCh37 (hg19) VCF-style: chr11-116707835-G-A.
Other names: c.82C>T, p.Pro28Ser (NM_001318017.2, NM_001318018.2, NM_001425090.1 and 1 more transcripts); c.-246C>T (NM_001425092.1); c.-128+226C>T (NM_001425091.1); c.-240-6C>T (NM_001318021.2); short protein forms P28S.
Identifiers: ClinVar variation 2566614 (VCV002566614.3), dbSNP rs751415951, ClinGen allele CA6289901.